The following is an entry in ClinVar:

NM_000038.6(APC):c.3723T>C (p.Gly1241=)

Gene: APC (APC regulator of Wnt signaling pathway; plus strand). Cytogenetic location: 5q22.2.
Variant type: single nucleotide variant.
Coding change: c.3723T>C on transcript NM_000038.6 (MANE Select); coding-DNA position 3723, T replaced by C.
Protein change: p.Gly1241=; no amino-acid change (glycine 1241 retained).
Molecular consequence: synonymous variant.
Genome position (GRCh38, 1-based): chr5:112,839,317, T>C. VCF-style: chr5-112839317-T-C. GRCh37 (hg19) VCF-style: chr5-112175014-T-C.
Other names: c.3723T>C (NM_000038.5); c.3723T>C, p.Gly1241= (NM_001127510.3, NM_001354895.2); c.3669T>C, p.Gly1223= (NM_001127511.3); c.3777T>C, p.Gly1259= (NM_001354896.2); c.3753T>C, p.Gly1251= (NM_001354897.2); c.3648T>C, p.Gly1216= (NM_001354898.2); c.3639T>C, p.Gly1213= (NM_001354899.2); c.3600T>C, p.Gly1200= (NM_001354900.2); and 6 more.
Identifiers: ClinVar variation 1113513 (VCV001113513.13), dbSNP rs2149897767, ClinGen allele CA445963959.
Genomic context (GRCh38, chr5:112,839,317, plus strand): 5'-TTCATCTAATGCCAAGAGGCAGAATCAGCTCCATCCAAGTTCTGCACAGAGTAGAAGTGG[T>C]CAGCCTCAAAAGGCTGCCACTTGCAAAGTTTCTTCTATTAACCAAGAAACAATACAGACT-3'
Protein context (NP_000029.2, residues 1231-1251): LHPSSAQSRS[Gly1241=]QPQKAATCKV

ClinVar aggregate classification (germline): Benign/Likely benign. Review status: criteria provided, multiple submitters, no conflicts (2 of 4 stars). 4 submissions from 4 submitters: Benign (1); Likely benign (3). Last evaluated 2024-03-22.

Conditions:
Classic or attenuated familial adenomatous polyposis. Identifiers: MedGen CN372698, MONDO:0021057.
Hereditary cancer-predisposing syndrome. Also called: Hereditary neoplastic syndrome; Hereditary Cancer Syndrome; Neoplastic Syndromes, Hereditary; Tumor predisposition. Identifiers: Orphanet 140162, MedGen C0027672, MeSH D009386, MONDO:0015356.
Familial adenomatous polyposis 1 (FAP1). Also called: FAMILIAL ADENOMATOUS POLYPOSIS 1, ATTENUATED; POLYPOSIS, ADENOMATOUS INTESTINAL. Identifiers: MedGen C2713442, MONDO:0021056, OMIM 175100. Disease mechanism: loss of function.

Submissions (4):

Myriad Genetics, Inc.
Classification: Benign for Familial adenomatous polyposis 1. Last evaluated: 2024-03-22. Review status: criteria provided, single submitter. Criteria: Myriad Autosomal Dominant, Autosomal Recessive and X-Linked Classification Criteria (2023). Collection method: clinical testing. Allele origin: unknown.
Comment: This variant is considered benign. This variant is a silent/synonymous amino acid change and it is not expected to impact splicing.

Labcorp Genetics (formerly Invitae), Labcorp
Classification: Likely benign for Familial adenomatous polyposis 1. Last evaluated: 2023-12-27. Review status: criteria provided, single submitter. Criteria: Invitae Variant Classification Sherloc (09022015). Collection method: clinical testing. Allele origin: germline.

All of Us Research Program, National Institutes of Health
Classification: Likely benign for Classic or attenuated familial adenomatous polyposis. Last evaluated: 2023-06-26. Review status: criteria provided, single submitter. Criteria: ACMG Guidelines, 2015. Collection method: clinical testing. Allele origin: germline. Inheritance: Autosomal dominant inheritance. Observed: 1 variant allele, 1 heterozygote.
Comment: This study involves interpretation of variants in research participants for the purpose of population health screening. Participant phenotype was not available at the time of variant classification. Additional details can be found in publication PMID: 35346344, PMCID: PMC8962531

Ambry Genetics
Classification: Likely benign for Hereditary cancer-predisposing syndrome. Last evaluated: 2023-01-19. Review status: criteria provided, single submitter. Criteria: Ambry Variant Classification Scheme 2023. Collection method: clinical testing. Allele origin: germline.